The following is an entry in ClinVar:

ClinVar aggregate classification (germline): Uncertain significance (1 of 4 stars; one submission).

Submission:

GeneDx
Classification: Uncertain significance. Last evaluated: 2024-02-06. Review status: criteria provided, single submitter. Criteria: GeneDx Variant Classification Process June 2021. Collection method: clinical testing. Allele origin: germline. Affected: yes.
Comment: Not observed at significant frequency in large population cohorts (gnomAD); In silico analysis supports that this missense variant has a deleterious effect on protein structure/function; Has not been previously published as pathogenic or benign to our knowledge

NM_001395002.1(MAP4K4):c.40G>A (p.Asp14Asn)

Gene: MAP4K4 (mitogen-activated protein kinase kinase kinase kinase 4; plus strand). Cytogenetic location: 2q11.2.
Variant type: single nucleotide variant.
Coding change: c.40G>A on transcript NM_001395002.1 (MANE Select); coding-DNA position 40, G replaced by A.
Protein change: p.Asp14Asn; replaces aspartic acid 14 with asparagine.
Molecular consequence: missense variant. On other transcripts: non-coding transcript variant (4).
Genome position (GRCh38, 1-based): chr2:101,698,120, G>A. VCF-style: chr2-101698120-G-A. GRCh37 (hg19) VCF-style: chr2-102314582-G-A.
Other names: c.40G>A, p.Asp14Asn (NM_001242559.2, NM_001242560.2, NM_001384476.1 and 28 more transcripts); short protein forms D14N.
Identifiers: ClinVar variation 3368185 (VCV003368185.1).